The following is an entry in ClinVar:

NM_004928.3(CFAP410):c.381G>A (p.Thr127=)

Gene: CFAP410 (cilia and flagella associated protein 410; minus strand). Cytogenetic location: 21q22.3.
Variant type: single nucleotide variant.
Coding change: c.381G>A on transcript NM_004928.3 (MANE Select); coding-DNA position 381, G replaced by A.
Protein change: p.Thr127=; no amino-acid change (threonine 127 retained).
Molecular consequence: synonymous variant.
Genome position (GRCh38, 1-based): chr21:44,332,007, C>T on the plus strand (G>A on the coding strand, the complement: CFAP410 is on the minus strand). VCF-style: chr21-44332007-C-T. GRCh37 (hg19) VCF-style: chr21-45751890-C-T.
Other names: c.381G>A (NM_004928.2); c.381G>A, p.Thr127= (NM_001271440.2, NM_001271441.2); c.258G>A, p.Thr86= (NM_001271442.1).
Identifiers: ClinVar variation 1166366 (VCV001166366.10), dbSNP rs145523761, ClinGen allele CA10053689.

ClinVar aggregate classification (germline): Benign/Likely benign. Review status: criteria provided, multiple submitters, no conflicts (2 of 4 stars). 3 submissions from 3 submitters: Benign (1); Likely benign (1). 1 of the submissions does not count toward it. Last evaluated 2026-01-20.

Conditions:
CFAP410-related disorder. Also called: CFAP410-related condition.

Allele frequency attached by ClinVar (database versions not stated): gnomAD exomes 0.00013 and 0.00030; ExAC 0.00037; 1000 Genomes Project 0.00060; 1000 Genomes Project 30x 0.00094; gnomAD 0.00112 and 0.00121; TOPMed 0.00137; ESP Exome Variant Server 0.00146.
gnomAD v4.1: 375 of 1,599,152 alleles (0.023%); highest among the groups gnomAD compares: African/African-American, 0.35%; 2 homozygotes.

Submissions (3):

Labcorp Genetics (formerly Invitae), Labcorp
Classification: Benign. Last evaluated: 2026-01-20. Review status: criteria provided, single submitter. Criteria: Invitae Variant Classification Sherloc (09022015). Collection method: clinical testing. Allele origin: germline.

Blueprint Genetics
Classification: Likely benign. Last evaluated: 2024-10-09. Review status: criteria provided, single submitter. Criteria: ACMG Guidelines, 2015. Collection method: clinical testing. Allele origin: germline.

PreventionGenetics, part of Exact Sciences
Classification: Likely benign for CFAP410-related condition. Last evaluated: 2019-11-21. Review status: no assertion criteria provided. Collection method: clinical testing. Allele origin: germline. Not counted in ClinVar's aggregate classification.
Comment: This variant is classified as likely benign based on ACMG/AMP sequence variant interpretation guidelines (Richards et al. 2015 PMID: 25741868, with internal and published modifications).